The following is an entry in ClinVar:

NM_005996.4(TBX3):c.1318G>C (p.Glu440Gln)

Gene: TBX3 (T-box transcription factor 3; minus strand). Cytogenetic location: 12q24.21.
Variant type: single nucleotide variant.
Coding change: c.1318G>C on transcript NM_005996.4 (MANE Select); coding-DNA position 1318, G replaced by C.
Protein change: p.Glu440Gln; replaces glutamic acid 440 with glutamine.
Molecular consequence: missense variant.
Genome position (GRCh38, 1-based): chr12:114,674,557, C>G on the plus strand (G>C on the coding strand, the complement: TBX3 is on the minus strand). VCF-style: chr12-114674557-C-G. GRCh37 (hg19) VCF-style: chr12-115112362-C-G.
Other names: c.1378G>C, p.Glu460Gln (NM_016569.4); short protein forms E440Q, E460Q.
Identifiers: ClinVar variation 3357337 (VCV003357337.1).

ClinVar aggregate classification (germline): Uncertain significance (0 of 4 stars; one submission).

Conditions:
TBX3-related disorder. Also called: TBX3-related condition.

gnomAD v4.1: 3 of 1,560,158 alleles (0.00019%); highest among the groups gnomAD compares: Non-Finnish European, 0.00017%; no homozygotes.

Submission:

PreventionGenetics, part of Exact Sciences
Classification: Uncertain significance for TBX3-related condition. Last evaluated: 2024-04-09. Review status: no assertion criteria provided. Collection method: clinical testing. Allele origin: germline.
Comment: The TBX3 c.1378G>C variant is predicted to result in the amino acid substitution p.Glu460Gln. To our knowledge, this variant has not been reported in the literature. This variant is reported in 0.0065% of alleles in individuals of European (Non-Finnish) descent in gnomAD. At this time, the clinical significance of this variant is uncertain due to the absence of conclusive functional and genetic evidence.